The following is an entry in ClinVar:

NM_000350.3(ABCA4):c.1007C>G (p.Ser336Cys)

Gene: ABCA4 (ATP binding cassette subfamily A member 4; minus strand). Cytogenetic location: 1p22.1.
Variant type: single nucleotide variant.
Coding change: c.1007C>G on transcript NM_000350.3 (MANE Select); coding-DNA position 1007, C replaced by G.
Protein change: p.Ser336Cys; replaces serine 336 with cysteine.
Molecular consequence: missense variant.
Genome position (GRCh38, 1-based): chr1:94,080,570, G>C on the plus strand (C>G on the coding strand, the complement: ABCA4 is on the minus strand). VCF-style: chr1-94080570-G-C. GRCh37 (hg19) VCF-style: chr1-94546126-G-C.
Other names: c.1007C>G, p.Ser336Cys (NM_001425324.1); short protein forms S336C.
Identifiers: ClinVar variation 99024 (VCV000099024.11), dbSNP rs61748547, ClinGen allele CA226858.

ClinVar aggregate classification (germline): Pathogenic. Review status: criteria provided, multiple submitters, no conflicts (2 of 4 stars). 3 submissions from 3 submitters: Pathogenic (2). 1 of the submissions does not count toward it. Last evaluated 2023-07-10.

Conditions:
ABCA4-related disorder. Also called: ABCA4-related disorders; ABCA4-related condition. Identifiers: MedGen CN239167.

Allele frequency attached by ClinVar (database versions not stated): gnomAD exomes 0.00001 and 0.00002; ExAC 0.00004.
gnomAD v4.1: 5 of 1,614,118 alleles (0.00031%); highest among the groups gnomAD compares: Non-Finnish European, 0.00025%; no homozygotes.

Submissions (3):

Labcorp Genetics (formerly Invitae), Labcorp
Classification: Pathogenic. Last evaluated: 2023-07-10. Review status: criteria provided, single submitter. Criteria: Invitae Variant Classification Sherloc (09022015). Collection method: clinical testing. Allele origin: germline.
Comment: For these reasons, this variant has been classified as Pathogenic. Advanced modeling of protein sequence and biophysical properties (such as structural, functional, and spatial information, amino acid conservation, physicochemical variation, residue mobility, and thermodynamic stability) performed at Invitae indicates that this missense variant is expected to disrupt ABCA4 protein function. ClinVar contains an entry for this variant (Variation ID: 99024). This missense change has been observed in individual(s) with Stargardt disease (PMID: 9973280, 14517951, 21296825, 28559085). This variant is present in population databases (rs61748547, gnomAD 0.004%). This sequence change replaces serine, which is neutral and polar, with cysteine, which is neutral and slightly polar, at codon 336 of the ABCA4 protein (p.Ser336Cys).

Blueprint Genetics
Classification: Pathogenic for ABCA4-related disorders. Last evaluated: 2023-02-17. Review status: criteria provided, single submitter. Criteria: ACMG Guidelines, 2015. Collection method: clinical testing. Allele origin: germline. Affected: yes. Observed: 5 variant alleles.

Retina International
No classification provided. Review status: no classification provided. Collection method: not provided. Allele origin: not provided. Not counted in ClinVar's aggregate classification.

Literature cited by the submitters: PubMed 9973280 (cited by Labcorp Genetics (formerly Invitae), Labcorp); PubMed 14517951 (cited by Labcorp Genetics (formerly Invitae), Labcorp); PubMed 21296825 (cited by Labcorp Genetics (formerly Invitae), Labcorp); PubMed 28559085 (cited by Labcorp Genetics (formerly Invitae), Labcorp).